The following is an entry in ClinVar:

ClinVar aggregate classification (germline): Uncertain significance (1 of 4 stars; one submission).

Allele frequency attached by ClinVar (database versions not stated): TOPMed below 0.00001.

Submission:

Labcorp Genetics (formerly Invitae), Labcorp
Classification: Uncertain significance. Last evaluated: 2021-08-28. Review status: criteria provided, single submitter. Criteria: Invitae Variant Classification Sherloc (09022015). Collection method: clinical testing. Allele origin: germline.
Comment: This sequence change replaces valine with glycine at codon 51 of the FAT4 protein (p.Val51Gly). The valine residue is highly conserved and there is a moderate physicochemical difference between valine and glycine. This variant is not present in population databases (ExAC no frequency). This variant has not been reported in the literature in individuals affected with FAT4-related conditions. Algorithms developed to predict the effect of missense changes on protein structure and function are either unavailable or do not agree on the potential impact of this missense change (SIFT: "Deleterious"; PolyPhen-2: "Possibly Damaging"; Align-GVGD: "Class C0"). In summary, the available evidence is currently insufficient to determine the role of this variant in disease. Therefore, it has been classified as a Variant of Uncertain Significance.

NM_001291303.3(FAT4):c.152T>G (p.Val51Gly)

Gene: FAT4 (FAT atypical cadherin 4; plus strand). Cytogenetic location: 4q28.1.
Variant type: single nucleotide variant.
Coding change: c.152T>G on transcript NM_001291303.3 (MANE Select); coding-DNA position 152, T replaced by G.
Protein change: p.Val51Gly; replaces valine 51 with glycine.
Molecular consequence: missense variant.
Genome position (GRCh38, 1-based): chr4:125,316,563, T>G. VCF-style: chr4-125316563-T-G. GRCh37 (hg19) VCF-style: chr4-126237718-T-G.
Other names: c.152T>G, p.Val51Gly (NM_001291285.3, NM_024582.6); short protein forms V51G.
Identifiers: ClinVar variation 1404591 (VCV001404591.5), dbSNP rs1730603395, ClinGen allele CA358115211.